The following is an entry in ClinVar:

NM_014795.4(ZEB2):c.1695G>T (p.Leu565Phe)

Gene: ZEB2 (zinc finger E-box binding homeobox 2; minus strand). Cytogenetic location: 2q22.3.
Variant type: single nucleotide variant.
Coding change: c.1695G>T on transcript NM_014795.4 (MANE Select); coding-DNA position 1695, G replaced by T.
Protein change: p.Leu565Phe; replaces leucine 565 with phenylalanine.
Molecular consequence: missense variant.
Genome position (GRCh38, 1-based): chr2:144,399,492, C>A on the plus strand (G>T on the coding strand, the complement: ZEB2 is on the minus strand). VCF-style: chr2-144399492-C-A. GRCh37 (hg19) VCF-style: chr2-145157059-C-A.
Other names: c.1623G>T, p.Leu541Phe (NM_001171653.2); short protein forms L541F, L565F.
Identifiers: ClinVar variation 2802498 (VCV002802498.3), dbSNP rs1333425873, ClinGen allele CA348710403.

ClinVar aggregate classification (germline): Uncertain significance (1 of 4 stars; one submission).

Conditions:
Mowat-Wilson syndrome (MOWS). Also called: Classic Mowat-Wilson Syndrome. Identifiers: Orphanet 2152, MedGen C1856113, MONDO:0009341, OMIM 235730.

gnomAD v4.1: 1 of 1,614,036 alleles (0.000062%); highest among the groups gnomAD compares: East Asian, 0.0022%; no homozygotes.

Submission:

Labcorp Genetics (formerly Invitae), Labcorp
Classification: Uncertain significance for Mowat-Wilson syndrome. Last evaluated: 2025-04-23. Review status: criteria provided, single submitter. Criteria: Invitae Variant Classification Sherloc (09022015). Collection method: clinical testing. Allele origin: germline.
Comment: This sequence change replaces leucine, which is neutral and non-polar, with phenylalanine, which is neutral and non-polar, at codon 565 of the ZEB2 protein (p.Leu565Phe). This variant is present in population databases (no rsID available, gnomAD 0.006%). This variant has not been reported in the literature in individuals affected with ZEB2-related conditions. ClinVar contains an entry for this variant (Variation ID: 2802498). Invitae Evidence Modeling of protein sequence and biophysical properties (such as structural, functional, and spatial information, amino acid conservation, physicochemical variation, residue mobility, and thermodynamic stability) indicates that this missense variant is not expected to disrupt ZEB2 protein function with a negative predictive value of 80%. In summary, the available evidence is currently insufficient to determine the role of this variant in disease. Therefore, it has been classified as a Variant of Uncertain Significance.